The following is an entry in ClinVar:

ClinVar aggregate classification (germline): Pathogenic (1 of 4 stars; one submission).

Submission:

GeneDx
Classification: Pathogenic. Last evaluated: 2025-01-14. Review status: criteria provided, single submitter. Criteria: GeneDx Variant Classification Process June 2021. Collection method: clinical testing. Allele origin: germline. Affected: yes.
Comment: Canonical splice site variant predicted to result in a null allele in a gene for which loss of function is a known mechanism of disease; Not observed at significant frequency in large population cohorts (gnomAD); Has been observed in one patient as maternally inherited form a large cohort study of infants in NICU; however no patient specific details were provided in this report (PMID: 38093364); This variant is associated with the following publications: (PMID: 38093364)

NM_017617.5(NOTCH1):c.5934+1G>A

Gene: NOTCH1 (notch receptor 1; minus strand). Cytogenetic location: 9q34.3.
Variant type: single nucleotide variant.
Coding change: c.5934+1G>A on transcript NM_017617.5 (MANE Select); the canonical splice donor site of the intron after coding-DNA position 5934, G replaced by A.
Molecular consequence: splice donor variant.
Genome position (GRCh38, 1-based): chr9:136,500,551, C>T on the plus strand (G>A on the coding strand, the complement: NOTCH1 is on the minus strand). VCF-style: chr9-136500551-C-T. GRCh37 (hg19) VCF-style: chr9-139395003-C-T.
Identifiers: ClinVar variation 4056882 (VCV004056882.1).